The following is an entry in ClinVar:

NC_000003.11:g.(?_196434422)_(196435540_?)dup

Gene: CEP19 (centrosomal protein 19; minus strand). Cytogenetic location: 3q29.
Variant type: Duplication.
Identifiers: ClinVar variation 3247054 (VCV003247054.1).

ClinVar aggregate classification (germline): Uncertain significance (1 of 4 stars; one submission).

Submission:

Labcorp Genetics (formerly Invitae), Labcorp
Classification: Uncertain significance. Last evaluated: 2024-01-15. Review status: criteria provided, single submitter. Criteria: Invitae Variant Classification Sherloc (09022015). Collection method: clinical testing. Allele origin: unknown.
Comment: A copy number gain of the genomic region encompassing the full coding sequence of the CEP19 gene has been identified. The boundaries of this event are unknown as they extend beyond the assayed region for this gene and therefore may encompass additional genes. As the precise location of this event is unknown, it may be in tandem or it may be located elsewhere in the genome. This variant has not been reported in the literature in individuals affected with CEP19-related conditions. Experimental studies and prediction algorithms are not available or were not evaluated, and the functional significance of this variant is currently unknown. In summary, the available evidence is currently insufficient to determine the role of this variant in disease. Therefore, it has been classified as a Variant of Uncertain Significance.